The following is an entry in ClinVar:

NM_177559.3(CSNK2A1):c.718_720del (p.Asp240del)

Gene: CSNK2A1 (casein kinase 2 alpha 1; minus strand). Cytogenetic location: 20p13.
Variant type: Deletion.
Coding change: c.718_720del on transcript NM_177559.3 (MANE Select); coding-DNA positions 718 to 720, 3 bases deleted (GAT; older notation c.718_720delGAT).
Protein change: p.Asp240del; deletes aspartic acid 240.
Molecular consequence: inframe deletion.
Genome position (GRCh38, 1-based): chr20:489,783-489,785, ATC deleted on the plus strand (GAT on the coding strand, the reverse complement: CSNK2A1 is on the minus strand); deleting any 3 consecutive bases within chr20:489,783-489,787 gives the same sequence; the c. name uses the placement nearest the transcript's 3' end. VCF-style (leftmost placement, unchanged base first): chr20-489782-GATC-G. GRCh37 (hg19) VCF-style: chr20-470426-GATC-G.
Other names: c.718_720del, p.Asp240del (NM_001362770.2, NM_001362771.2, NM_001895.4); c.310_312del, p.Asp104del (NM_177560.3); short protein forms D104del, D240del.
Identifiers: ClinVar variation 1810665 (VCV001810665.1), dbSNP rs2514641123, ClinGen allele CA2580097945.

ClinVar aggregate classification (germline): Uncertain significance (1 of 4 stars; one submission).

Submission:

GeneDx
Classification: Uncertain significance. Last evaluated: 2022-07-05. Review status: criteria provided, single submitter. Criteria: GeneDx Variant Classification Process June 2021. Collection method: clinical testing. Allele origin: germline. Affected: yes.
Comment: Not observed at significant frequency in large population cohorts (gnomAD); In-frame deletion of 1 amino acid in a non-repeat region; In silico analysis supports a deleterious effect on protein structure/function; Has not been previously published as pathogenic or benign to our knowledge